The following is an entry in ClinVar:

ClinVar aggregate classification (germline): Uncertain significance (1 of 4 stars; one submission).

Submission:

Ambry Genetics
Classification: Uncertain significance. Last evaluated: 2023-11-16. Review status: criteria provided, single submitter. Criteria: Ambry Variant Classification Scheme 2023. Collection method: clinical testing. Allele origin: germline.
Comment: The p.L2060I variant (also known as c.6178C>A), located in coding exon 19 of the POLQ gene, results from a C to A substitution at nucleotide position 6178. The leucine at codon 2060 is replaced by isoleucine, an amino acid with highly similar properties. This amino acid position is conserved. In addition, this alteration is predicted to be tolerated by in silico analysis. Since supporting evidence is limited at this time, the clinical significance of this alteration remains unclear.

NM_199420.4(POLQ):c.6178C>A (p.Leu2060Ile)

Gene: POLQ (DNA polymerase theta; minus strand). Cytogenetic location: 3q13.33.
Variant type: single nucleotide variant.
Coding change: c.6178C>A on transcript NM_199420.4 (MANE Select); coding-DNA position 6178, C replaced by A.
Protein change: p.Leu2060Ile; replaces leucine 2060 with isoleucine.
Molecular consequence: missense variant.
Genome position (GRCh38, 1-based): chr3:121,481,605, G>T on the plus strand (C>A on the coding strand, the complement: POLQ is on the minus strand). VCF-style: chr3-121481605-G-T. GRCh37 (hg19) VCF-style: chr3-121200452-G-T.
Other names: short protein forms L2060I.
Identifiers: ClinVar variation 3230094 (VCV003230094.1), dbSNP rs2546780270, ClinGen allele CA354087662.
Genomic context (GRCh38, chr3:121,481,605, plus strand): 5'-TAAAAATGCCAGAAACTTGGTTTTTACCTTGAAGGTTTTCCTTCTGCAACAAAGAGTTGA[G>T]CTGATTCATAGAGTTGAAGATGAGAATGGACTCCACAGATGCTCTGTATCGCCCAGAATG-3'
Protein context (NP_955452.3, residues 2050-2070): SILIFNSMNQ[Leu2060Ile]NSLLQKENLQ